The following is an entry in ClinVar:

ClinVar aggregate classification (germline): Uncertain significance (1 of 4 stars; one submission).

Submission:

Labcorp Genetics (formerly Invitae), Labcorp
Classification: Uncertain significance. Last evaluated: 2022-06-15. Review status: criteria provided, single submitter. Criteria: Invitae Variant Classification Sherloc (09022015). Collection method: clinical testing. Allele origin: germline.
Comment: Algorithms developed to predict the effect of missense changes on protein structure and function are either unavailable or do not agree on the potential impact of this missense change (SIFT: "Deleterious"; PolyPhen-2: "Probably Damaging"; Align-GVGD: "Class C0"). This variant has not been reported in the literature in individuals affected with SIX6-related conditions. This variant is not present in population databases (gnomAD no frequency). This sequence change replaces asparagine, which is neutral and polar, with serine, which is neutral and polar, at codon 174 of the SIX6 protein (p.Asn174Ser). In summary, the available evidence is currently insufficient to determine the role of this variant in disease. Therefore, it has been classified as a Variant of Uncertain Significance.

NM_007374.3(SIX6):c.521A>G (p.Asn174Ser)

Genes: C14orf39 (chromosome 14 open reading frame 39; minus strand), SIX6 (SIX homeobox 6; plus strand). Cytogenetic location: 14q23.1.
Variant type: single nucleotide variant.
Coding change: c.521A>G on transcript NM_007374.3 (MANE Select); coding-DNA position 521, A replaced by G.
Protein change: p.Asn174Ser; replaces asparagine 174 with serine.
Molecular consequence: missense variant.
Genome position (GRCh38, 1-based): chr14:60,509,919, A>G. VCF-style: chr14-60509919-A-G. GRCh37 (hg19) VCF-style: chr14-60976637-A-G.
Other names: short protein forms N174S.
Identifiers: ClinVar variation 2007300 (VCV002007300.4), dbSNP rs2503606425, ClinGen allele CA390087499.